The following is an entry in ClinVar:

NM_007194.4(CHEK2):c.1543C>G (p.Pro515Ala)

Gene: CHEK2 (checkpoint kinase 2; minus strand). Cytogenetic location: 22q12.1.
Variant type: single nucleotide variant.
Coding change: c.1543C>G on transcript NM_007194.4 (MANE Select); coding-DNA position 1543, C replaced by G.
Protein change: p.Pro515Ala; replaces proline 515 with alanine.
Molecular consequence: missense variant.
Genome position (GRCh38, 1-based): chr22:28,687,986, G>C on the plus strand (C>G on the coding strand, the complement: CHEK2 is on the minus strand). VCF-style: chr22-28687986-G-C. GRCh37 (hg19) VCF-style: chr22-29083974-G-C.
Other names: c.1672C>G, p.Pro558Ala (NM_001005735.3); c.880C>G, p.Pro294Ala (NM_001257387.3, NM_001437942.1); c.1342C>G, p.Pro448Ala (NM_001349956.3); c.1636C>G, p.Pro546Ala (NM_001438293.1); c.1585C>G, p.Pro529Ala (NM_001438294.1); c.1549C>G, p.Pro517Ala (NM_001438295.1); c.1456C>G, p.Pro486Ala (NM_145862.3); short protein forms P294A, P517A, P486A, P558A, P448A, P515A, P546A, P529A.
Identifiers: ClinVar variation 4697627 (VCV004697627.1).

ClinVar aggregate classification (germline): Uncertain significance (1 of 4 stars; one submission).

Conditions:
Familial cancer of breast. Also called: BREAST CANCER, FAMILIAL; hereditary breast carcinoma; Hereditary breast cancer. Identifiers: Orphanet 227535, MedGen C0346153, MONDO:0016419, OMIM 114480. Disease mechanism: loss of function.

Submission:

Labcorp Genetics (formerly Invitae), Labcorp
Classification: Uncertain significance for Familial cancer of breast. Last evaluated: 2025-04-01. Review status: criteria provided, single submitter. Criteria: Invitae Variant Classification Sherloc (09022015). Collection method: clinical testing. Allele origin: germline.
Comment: This sequence change replaces proline, which is neutral and non-polar, with alanine, which is neutral and non-polar, at codon 515 of the CHEK2 protein (p.Pro515Ala). This variant is not present in population databases (gnomAD no frequency). This variant has not been reported in the literature in individuals affected with CHEK2-related conditions. An algorithm developed to predict the effect of missense changes on protein structure and function (PolyPhen-2) suggests that this variant is likely to be tolerated. In summary, the available evidence is currently insufficient to determine the role of this variant in disease. Therefore, it has been classified as a Variant of Uncertain Significance.